The following is an entry in ClinVar:

NM_014846.4(WASHC5):c.3143T>C (p.Ile1048Thr)

Gene: WASHC5 (WASH complex subunit 5; minus strand). Cytogenetic location: 8q24.13.
Variant type: single nucleotide variant.
Coding change: c.3143T>C on transcript NM_014846.4 (MANE Select); coding-DNA position 3143, T replaced by C.
Protein change: p.Ile1048Thr; replaces isoleucine 1048 with threonine.
Molecular consequence: missense variant.
Genome position (GRCh38, 1-based): chr8:125,037,275, A>G on the plus strand (T>C on the coding strand, the complement: WASHC5 is on the minus strand). VCF-style: chr8-125037275-A-G. GRCh37 (hg19) VCF-style: chr8-126049517-A-G.
Other names: c.2699T>C, p.Ile900Thr (NM_001330609.2); short protein forms I1048T, I900T.
Identifiers: ClinVar variation 4082768 (VCV004082768.1).

ClinVar aggregate classification (germline): Uncertain significance (1 of 4 stars; one submission).

Submission:

GeneDx
Classification: Uncertain significance. Last evaluated: 2025-03-07. Review status: criteria provided, single submitter. Criteria: GeneDx Variant Classification Process June 2021. Collection method: clinical testing. Allele origin: germline. Affected: yes.
Comment: Not observed at significant frequency in large population cohorts (gnomAD); In silico analysis supports that this missense variant has a deleterious effect on protein structure/function; Has not been previously published as pathogenic or benign to our knowledge